The following is an entry in ClinVar:

NM_001368809.2(AMPD2):c.602T>C (p.Met201Thr)

Gene: AMPD2 (adenosine monophosphate deaminase 2; plus strand). Cytogenetic location: 1p13.3.
Variant type: single nucleotide variant.
Coding change: c.602T>C on transcript NM_001368809.2 (MANE Select); coding-DNA position 602, T replaced by C.
Protein change: p.Met201Thr; replaces methionine 201 with threonine.
Molecular consequence: missense variant.
Genome position (GRCh38, 1-based): chr1:109,626,796, T>C. VCF-style: chr1-109626796-T-C. GRCh37 (hg19) VCF-style: chr1-110169418-T-C.
Other names: c.410T>C, p.Met137Thr (NM_001257361.2); c.539T>C, p.Met180Thr (NM_001308170.1); c.602T>C, p.Met201Thr (NM_004037.9); c.521T>C, p.Met174Thr (NM_139156.4); short protein forms M174T, M137T, M201T, M180T.
Identifiers: ClinVar variation 1419757 (VCV001419757.8), dbSNP rs748621330, ClinGen allele CA992851.
Genomic context (GRCh38, chr1:109,626,796, plus strand): 5'-CAGACCTGCTGGATGCAGCCAAGAGTGTGGTGCGGGCGCTCTTCATCCGGGAGAAGTACA[T>C]GGCCCTGTCCCTGCAGAGCTTCTGCCCCACCACCCGCCGCTACCTGCAGCAGCTGGCTGA-3'
Protein context (NP_001355738.1, residues 191-211): VRALFIREKY[Met201Thr]ALSLQSFCPT

ClinVar aggregate classification (germline): Uncertain significance (1 of 4 stars; one submission).

Conditions:
Hereditary spastic paraplegia 63. Also called: Spastic paraplegia 63, autosomal recessive. Identifiers: Orphanet 401805, MedGen C3810295, MONDO:0014305, OMIM 615686.
Pontocerebellar hypoplasia type 9. Identifiers: Orphanet 369920, MedGen C4014354, MONDO:0014351, OMIM 615809.

Allele frequency attached by ClinVar (database versions not stated): gnomAD 0.00001 and 0.00002; TOPMed 0.00001; ExAC 0.00002; gnomAD exomes 0.00002 and 0.00003.
gnomAD v4.1: 41 of 1,613,712 alleles (0.0025%); highest among the groups gnomAD compares: Non-Finnish European, 0.0032%; no homozygotes.

Submission:

Labcorp Genetics (formerly Invitae), Labcorp
Classification: Uncertain significance for Pontocerebellar hypoplasia type 9; Hereditary spastic paraplegia 63. Last evaluated: 2021-08-07. Review status: criteria provided, single submitter. Criteria: Invitae Variant Classification Sherloc (09022015). Collection method: clinical testing. Allele origin: germline.
Comment: In summary, the available evidence is currently insufficient to determine the role of this variant in disease. Therefore, it has been classified as a Variant of Uncertain Significance. Algorithms developed to predict the effect of missense changes on protein structure and function are either unavailable or do not agree on the potential impact of this missense change (SIFT: "Deleterious"; PolyPhen-2: "Benign"; Align-GVGD: "Class C0"). This variant has not been reported in the literature in individuals with AMPD2-related conditions. This variant is present in population databases (rs748621330, ExAC 0.005%). This sequence change replaces methionine with threonine at codon 255 of the AMPD2 protein (p.Met255Thr). The methionine residue is highly conserved and there is a moderate physicochemical difference between methionine and threonine.